The following is an entry in ClinVar:

ClinVar aggregate classification (germline): Uncertain significance (1 of 4 stars; one submission).

Conditions:
Hereditary cancer-predisposing syndrome. Also called: Hereditary neoplastic syndrome; Neoplastic Syndromes, Hereditary; Tumor predisposition; Hereditary Cancer Syndrome. Identifiers: Orphanet 140162, MedGen C0027672, MeSH D009386, MONDO:0015356.

Submission:

Ambry Genetics
Classification: Uncertain significance for Hereditary cancer-predisposing syndrome. Last evaluated: 2025-08-27. Review status: criteria provided, single submitter. Criteria: Ambry Variant Classification Scheme 2023. Collection method: clinical testing. Allele origin: germline.
Comment: The p.A319D variant (also known as c.956C>A), located in coding exon 11 of the MUTYH gene, results from a C to A substitution at nucleotide position 956. The alanine at codon 319 is replaced by aspartic acid, an amino acid with dissimilar properties. This amino acid position is conserved. In addition, this alteration is predicted to be tolerated by in silico analysis. Based on the available evidence, the clinical significance of this variant remains unclear.

NM_001048174.2(MUTYH):c.872C>A (p.Ala291Asp)

Gene: MUTYH (mutY DNA glycosylase; minus strand). Cytogenetic location: 1p34.1.
Variant type: single nucleotide variant.
Coding change: c.872C>A on transcript NM_001048174.2 (MANE Select); coding-DNA position 872, C replaced by A.
Protein change: p.Ala291Asp; replaces alanine 291 with aspartic acid.
Molecular consequence: missense variant. On other transcripts: non-coding transcript variant (7).
Genome position (GRCh38, 1-based): chr1:45,332,064, G>T on the plus strand (C>A on the coding strand, the complement: MUTYH is on the minus strand). VCF-style: chr1-45332064-G-T. GRCh37 (hg19) VCF-style: chr1-45797736-G-T.
Other names: c.905C>A, p.Ala302Asp (NM_001407069.1, NM_001407077.1, NM_001293191.2); c.872C>A, p.Ala291Asp (NM_001407081.1, NM_001407088.1, NM_001407089.1 and 6 more transcripts); c.527C>A, p.Ala176Asp (NM_001407082.1, NM_001350650.2, NM_001350651.2); c.914C>A, p.Ala305Asp (NM_001407083.1, NM_001407085.1); c.875C>A, p.Ala292Asp (NM_001407086.1, NM_001048172.2, NM_001407071.1 and 1 more transcripts); c.893C>A, p.Ala298Asp (NM_001407087.1); c.596C>A, p.Ala199Asp (NM_001407091.1, NM_001293192.2, NM_001293196.2); c.947C>A, p.Ala316Asp (NM_012222.3); and 5 more; short protein forms A176D, A278D, A292D, A298D, A305D, A199D, A291D, A302D.
Identifiers: ClinVar variation 4113950 (VCV004113950.1).
Genomic context (GRCh38, chr1:45,332,064, plus strand): 5'-GGCTAGGTTTGGTGCTCACCACACTCCTCCACGTCAGGACTGCCCGACAGGCTCCCTGAG[G>T]CTAAGAGCTGTTCCTGCTCCACCTGAGAGGCACAGGGTTGAGTGTCATAGGGCAGAGTCA-3'
Protein context (NP_001041639.1, residues 281-301): RQRVEQEQLL[Ala291Asp]SGSLSGSPDV